The following is an entry in ClinVar:

NM_054027.6(ANKH):c.1112T>C (p.Leu371Ser)

Gene: ANKH (ANKH inorganic pyrophosphate transport regulator; minus strand). Cytogenetic location: 5p15.2.
Variant type: single nucleotide variant.
Coding change: c.1112T>C on transcript NM_054027.6 (MANE Select); coding-DNA position 1112, T replaced by C.
Protein change: p.Leu371Ser; replaces leucine 371 with serine.
Molecular consequence: missense variant.
Genome position (GRCh38, 1-based): chr5:14,716,735, A>G on the plus strand (T>C on the coding strand, the complement: ANKH is on the minus strand). VCF-style: chr5-14716735-A-G. GRCh37 (hg19) VCF-style: chr5-14716844-A-G.
Other names: short protein forms L371S.
Identifiers: ClinVar variation 2117421 (VCV002117421.4), dbSNP rs2478354335, ClinGen allele CA359245292.

ClinVar aggregate classification (germline): Uncertain significance (1 of 4 stars; one submission).

Submission:

Labcorp Genetics (formerly Invitae), Labcorp
Classification: Uncertain significance. Last evaluated: 2022-05-25. Review status: criteria provided, single submitter. Criteria: Invitae Variant Classification Sherloc (09022015). Collection method: clinical testing. Allele origin: germline.
Comment: In summary, the available evidence is currently insufficient to determine the role of this variant in disease. Therefore, it has been classified as a Variant of Uncertain Significance. Algorithms developed to predict the effect of missense changes on protein structure and function (SIFT, PolyPhen-2, Align-GVGD) all suggest that this variant is likely to be disruptive. This variant has not been reported in the literature in individuals affected with ANKH-related conditions. This variant is not present in population databases (gnomAD no frequency). This sequence change replaces leucine, which is neutral and non-polar, with serine, which is neutral and polar, at codon 371 of the ANKH protein (p.Leu371Ser).